The following is an entry in ClinVar:

NM_000140.5(FECH):c.47del (p.Gly16fs)

Genes: FECH (ferrochelatase; minus strand), LOC130062560 (ATAC-STARR-seq lymphoblastoid silent region 9481; plus strand). Cytogenetic location: 18q21.31.
Variant type: Deletion.
Coding change: c.47del on transcript NM_000140.5 (MANE Select); coding-DNA position 47, one base deleted (G; older notation c.47delG).
Protein change: p.Gly16fs; shifts the reading frame from glycine 16.
Molecular consequence: frameshift variant. On other transcripts: 5 prime UTR variant (1).
Genome position (GRCh38, 1-based): chr18:57,586,574, C deleted on the plus strand (G on the coding strand, the reverse complement: FECH is on the minus strand); the first of 3 consecutive C bases (chr18:57,586,574-57,586,576); deleting any one gives the same sequence. VCF-style (leftmost placement, unchanged base first): chr18-57586573-GC-G. GRCh37 (hg19) VCF-style: chr18-55253805-GC-G.
Other names: c.47del, p.Gly16fs (NM_001012515.4, NM_001371094.1, NM_001374778.1); c.-280del (NM_001371095.1); short protein forms G16fs.
Identifiers: ClinVar variation 930105 (VCV000930105.4), dbSNP rs2051380165, ClinGen allele CA1139666127.

ClinVar aggregate classification (germline): Likely pathogenic (1 of 4 stars; one submission).

Conditions:
Autosomal erythropoietic protoporphyria. Identifiers: Orphanet 79278, MedGen CN283243, MONDO:0019263.

Submission:

Laboratory for Molecular Medicine, Mass General Brigham Personalized Medicine
Classification: Likely pathogenic for Autosomal erythropoietic protoporphyria. Last evaluated: 2019-09-20. Review status: criteria provided, single submitter. Criteria: LMM Criteria. Collection method: clinical testing. Allele origin: germline. Inheritance: Autosomal recessive inheritance. Observed: 1 variant allele.
Comment: The p.Gly16AlafsX63 variant in FECH has been reported in 2 individuals with erythropoeitic protoporphyria (EPP; Whatley 2010). While it is likely that these individuals were compound heterozygous for the common hypomorphic c.315-48T>C variant, specific details were not provided. The p.Gly16AlafsX63 variant was absent from large population studies. This variant is predicted to cause a frameshift, which alters the proteinâ€™s amino acid sequence beginning at position 16 and leads to a premature termination codon 63 amino acids downstream. This alteration is then predicted to lead to a truncated or absent protein. Loss of function of the FECH gene is an established disease mechanism in autosomal recessive EPP. In summary, this variant meets criteria to be classified as likely pathogenic for autosomal recessive EPP. ACMG/AMP criteria applied: PVS1, PM2.

Literature cited by the submitters: PubMed 20105171.